The following is an entry in ClinVar:

ClinVar aggregate classification (germline): Likely benign (0 of 4 stars; one submission).

Conditions:
UNC5C-related disorder. Also called: UNC5C-related condition.

Allele frequency attached by ClinVar (database versions not stated): gnomAD exomes 0.00033; ExAC 0.00105; 1000 Genomes Project 0.00339; gnomAD 0.00357; 1000 Genomes Project 30x 0.00390; TOPMed 0.00409; ESP Exome Variant Server 0.00461.
gnomAD v4.1: 1,041 of 1,614,224 alleles (0.064%); highest among the groups gnomAD compares: African/African-American, 1.2%; 7 homozygotes.

Submission:

PreventionGenetics, part of Exact Sciences
Classification: Likely benign for UNC5C-related condition. Last evaluated: 2019-04-04. Review status: no assertion criteria provided. Collection method: clinical testing. Allele origin: germline.
Comment: This variant is classified as likely benign based on ACMG/AMP sequence variant interpretation guidelines (Richards et al. 2015 PMID: 25741868, with internal and published modifications).

NM_003728.4(UNC5C):c.2036C>T (p.Ala679Val)

Gene: UNC5C (unc-5 netrin receptor C; minus strand). Cytogenetic location: 4q22.3.
Variant type: single nucleotide variant.
Coding change: c.2036C>T on transcript NM_003728.4 (MANE Select); coding-DNA position 2036, C replaced by T.
Protein change: p.Ala679Val; replaces alanine 679 with valine.
Molecular consequence: missense variant.
Genome position (GRCh38, 1-based): chr4:95,202,831, G>A on the plus strand (C>T on the coding strand, the complement: UNC5C is on the minus strand). VCF-style: chr4-95202831-G-A. GRCh37 (hg19) VCF-style: chr4-96123982-G-A.
Other names: short protein forms A679V.
Identifiers: ClinVar variation 3044338 (VCV003044338.2), dbSNP rs61736724, ClinGen allele CA3015511.
Genomic context (GRCh38, chr4:95,202,831, plus strand): 5'-ATGCTGTACTCCAGCGAGGAGCAGCACAGGGGCCCAAAGATGGCCAGCTTGAGGCGCTTC[G>A]CAGCCGCTTTGGTGGTGGAATGTCCTACCAGGGCGTAGGTGCTGAGGTTCTCTGTGAGGA-3'
Protein context (NP_003719.3, residues 669-689): LVGHSTTKAA[Ala679Val]KRLKLAIFGP